The following is an entry in ClinVar:

NM_024422.6(DSC2):c.488C>A (p.Thr163Lys)

Gene: DSC2 (desmocollin 2; minus strand). Cytogenetic location: 18q12.1.
Variant type: single nucleotide variant.
Coding change: c.488C>A on transcript NM_024422.6 (MANE Select); coding-DNA position 488, C replaced by A.
Protein change: p.Thr163Lys; replaces threonine 163 with lysine.
Molecular consequence: missense variant.
Genome position (GRCh38, 1-based): chr18:31,089,581, G>T on the plus strand (C>A on the coding strand, the complement: DSC2 is on the minus strand). VCF-style: chr18-31089581-G-T. GRCh37 (hg19) VCF-style: chr18-28669544-G-T.
Other names: c.488C>A, p.Thr163Lys (NM_004949.5); short protein forms T163K.
Identifiers: ClinVar variation 1436345 (VCV001436345.6), dbSNP rs758759298, ClinGen allele CA402113839.
Genomic context (GRCh38, chr18:31,089,581, plus strand): 5'-CGAGGTTCTTGGTCAACTCCAGGACCTCTTATGGAATAGTATATGGTATAGTTTTGGGCC[G>T]TGTCAGATTGAACCTAGAAAGTAGATATTATATACATGAGACAAATCTTTATTTCAGCAG-3'
Protein context (NP_077740.1, residues 153-173): PLFLQQVQSD[Thr163Lys]AQNYTIYYSI

ClinVar aggregate classification (germline): Uncertain significance. Review status: criteria provided, multiple submitters, no conflicts (2 of 4 stars). 2 submissions from 2 submitters: Uncertain significance (2). Last evaluated 2025-09-22.

Conditions:
Cardiomyopathy (CMYO). Also called: Cardiomyopathies. Identifiers: Orphanet 167848, MedGen C0878544, MONDO:0004994, HP:0001638. Inheritance: Various modes of inheritance.
Arrhythmogenic right ventricular dysplasia 11. Also called: Arrhythmogenic right ventricular dysplasia 11 with mild palmoplantar keratoderma and woolly hair; Arrhythmogenic Right Ventricular Dysplasia/Cardiomyopathy11; ARRHYTHMOGENIC RIGHT VENTRICULAR DYSPLASIA, FAMILIAL, 11. Identifiers: MedGen C1864850, MONDO:0012506, OMIM 610476.

gnomAD v4.1: 1 of 1,613,682 alleles (0.000062%); highest among the groups gnomAD compares: Non-Finnish European, 0.000085%; no homozygotes.

Submissions (2):

Color Diagnostics, LLC DBA Color Health
Classification: Uncertain significance for Cardiomyopathy. Last evaluated: 2025-09-22. Review status: criteria provided, single submitter. Criteria: ACMG Guidelines, 2015. Collection method: clinical testing. Allele origin: germline.
Comment: This missense variant replaces threonine with lysine at codon 163 of the DSC2 protein. Computational prediction suggests that this variant may not impact protein structure and function. To our knowledge, functional studies have not been reported for this variant. This variant has not been reported in individuals affected with DSC2-related disorders in the literature. This variant has not been identified in the general population by the Genome Aggregation Database (gnomAD). The available evidence is insufficient to determine the role of this variant in disease conclusively. Therefore, this variant is classified as a Variant of Uncertain Significance.

Labcorp Genetics (formerly Invitae), Labcorp
Classification: Uncertain significance for Arrhythmogenic right ventricular dysplasia 11. Last evaluated: 2022-01-18. Review status: criteria provided, single submitter. Criteria: Invitae Variant Classification Sherloc (09022015). Collection method: clinical testing. Allele origin: germline.
Comment: Algorithms developed to predict the effect of sequence changes on RNA splicing suggest that this variant may create or strengthen a splice site. Algorithms developed to predict the effect of missense changes on protein structure and function (SIFT, PolyPhen-2, Align-GVGD) all suggest that this variant is likely to be tolerated. This variant has not been reported in the literature in individuals affected with DSC2-related conditions. This variant is not present in population databases (gnomAD no frequency). This sequence change replaces threonine, which is neutral and polar, with lysine, which is basic and polar, at codon 163 of the DSC2 protein (p.Thr163Lys). In summary, the available evidence is currently insufficient to determine the role of this variant in disease. Therefore, it has been classified as a Variant of Uncertain Significance.